The following is an entry in ClinVar:

ClinVar aggregate classification (germline): Uncertain significance. Review status: criteria provided, multiple submitters, no conflicts (2 of 4 stars). 2 submissions from 2 submitters: Uncertain significance (2). Last evaluated 2024-12-10.

Conditions:
Hereditary cancer-predisposing syndrome. Also called: Hereditary Cancer Syndrome; Hereditary neoplastic syndrome; Neoplastic Syndromes, Hereditary; Tumor predisposition. Identifiers: Orphanet 140162, MedGen C0027672, MeSH D009386, MONDO:0015356.
Birt-Hogg-Dube syndrome. Also called: Birt Hogg Dubé syndrome. Identifiers: Orphanet 122, MedGen C0346010, MONDO:0800444.

Submissions (2):

Ambry Genetics
Classification: Uncertain significance for Hereditary cancer-predisposing syndrome. Last evaluated: 2024-12-10. Review status: criteria provided, single submitter. Criteria: Ambry Variant Classification Scheme 2023. Collection method: clinical testing. Allele origin: germline.
Comment: The p.S38N variant (also known as c.113G>A), located in coding exon 1 of the FLCN gene, results from a G to A substitution at nucleotide position 113. The serine at codon 38 is replaced by asparagine, an amino acid with highly similar properties. This amino acid position is conserved. In addition, this alteration is predicted to be tolerated by in silico analysis. Based on the available evidence, the clinical significance of this variant remains unclear.

Labcorp Genetics (formerly Invitae), Labcorp
Classification: Uncertain significance for Birt-Hogg-Dube syndrome. Last evaluated: 2024-03-28. Review status: criteria provided, single submitter. Criteria: Invitae Variant Classification Sherloc (09022015). Collection method: clinical testing. Allele origin: germline.
Comment: This sequence change replaces serine, which is neutral and polar, with asparagine, which is neutral and polar, at codon 38 of the FLCN protein (p.Ser38Asn). This variant is not present in population databases (gnomAD no frequency). This variant has not been reported in the literature in individuals affected with FLCN-related conditions. Advanced modeling of protein sequence and biophysical properties (such as structural, functional, and spatial information, amino acid conservation, physicochemical variation, residue mobility, and thermodynamic stability) performed at Invitae indicates that this missense variant is not expected to disrupt FLCN protein function with a negative predictive value of 80%. In summary, the available evidence is currently insufficient to determine the role of this variant in disease. Therefore, it has been classified as a Variant of Uncertain Significance.

NM_144997.7(FLCN):c.113G>A (p.Ser38Asn)

Gene: FLCN (folliculin; minus strand). Cytogenetic location: 17p11.2.
Variant type: single nucleotide variant.
Coding change: c.113G>A on transcript NM_144997.7 (MANE Select); coding-DNA position 113, G replaced by A.
Protein change: p.Ser38Asn; replaces serine 38 with asparagine.
Molecular consequence: missense variant.
Genome position (GRCh38, 1-based): chr17:17,228,025, C>T on the plus strand (G>A on the coding strand, the complement: FLCN is on the minus strand). VCF-style: chr17-17228025-C-T. GRCh37 (hg19) VCF-style: chr17-17131339-C-T.
Other names: c.113G>A, p.Ser38Asn (NM_001353229.2, NM_001353230.2, NM_001353231.2 and 1 more transcripts); short protein forms S38N.
Identifiers: ClinVar variation 3515681 (VCV003515681.3).
Genomic context (GRCh38, chr17:17,228,025, plus strand): 5'-ATCCGACTGTTCATCTGAATGCCACCTTCCTCTTCTTCCGCCTGCTCACCCTGGCCAGGA[C>T]TGTCCTCATTCCCATCCCCTTGAGGAAGTGGGGCGTGCAGCACCTCCGTGCAGAAGAGAG-3'
Protein context (NP_659434.2, residues 28-48): PLPQGDGNED[Ser38Asn]PGQGEQAEEE